The following is an entry in ClinVar:

ClinVar aggregate classification (germline): Uncertain significance (1 of 4 stars; one submission).

Conditions:
Hereditary nonpolyposis colorectal neoplasms. Identifiers: MedGen C0009405, MeSH D003123.

Submission:

Labcorp Genetics (formerly Invitae), Labcorp
Classification: Uncertain significance for Hereditary nonpolyposis colorectal neoplasms. Last evaluated: 2025-09-13. Review status: criteria provided, single submitter. Criteria: Invitae Variant Classification Sherloc (09022015). Collection method: clinical testing. Allele origin: germline.
Comment: This sequence change replaces methionine, which is neutral and non-polar, with leucine, which is neutral and non-polar, at codon 100 of the MSH6 protein (p.Met100Leu). This variant is not present in population databases (gnomAD no frequency). This variant has not been reported in the literature in individuals affected with MSH6-related conditions. Invitae Evidence Modeling of protein sequence and biophysical properties (such as structural, functional, and spatial information, amino acid conservation, physicochemical variation, residue mobility, and thermodynamic stability) indicates that this missense variant is not expected to disrupt MSH6 protein function with a negative predictive value of 95%. In summary, the available evidence is currently insufficient to determine the role of this variant in disease. Therefore, it has been classified as a Variant of Uncertain Significance.

NM_000179.3(MSH6):c.298A>T (p.Met100Leu)

Gene: MSH6 (mutS homolog 6; plus strand). Cytogenetic location: 2p16.3.
Variant type: single nucleotide variant.
Coding change: c.298A>T on transcript NM_000179.3 (MANE Select); coding-DNA position 298, A replaced by T.
Protein change: p.Met100Leu; replaces methionine 100 with leucine.
Molecular consequence: missense variant. On other transcripts: 5 prime UTR variant (8), initiator codon variant (13), non-coding transcript variant (5), intron variant (5).
Genome position (GRCh38, 1-based): chr2:47,790,964, A>T. VCF-style: chr2-47790964-A-T. GRCh37 (hg19) VCF-style: chr2-48018103-A-T.
Other names: c.-439A>T (NM_001281493.2, NM_001406811.1, NM_001406823.1 and 1 more transcripts); c.-605A>T (NM_001281494.2); c.394A>T, p.Met132Leu (NM_001406795.1, NM_001406802.1); c.298A>T, p.Met100Leu (NM_001406796.1, NM_001406798.1, NM_001406800.1 and 6 more transcripts); c.1A>T, p.Met1Leu (NM_001406797.1, NM_001406801.1, NM_001406805.1 and 10 more transcripts); c.220A>T, p.Met74Leu (NM_001406804.1); c.-631A>T (NM_001406807.1); c.-286A>T (NM_001406812.1); and 6 more; short protein forms M100L, M132L, M1L, M44L, M74L.
Identifiers: ClinVar variation 4800179 (VCV004800179.1).